The following is an entry in ClinVar:

ClinVar aggregate classification (germline): Conflicting classifications of pathogenicity. Review status: criteria provided, conflicting classifications (1 of 4 stars). 3 submissions from 3 submitters: Uncertain significance (1); Benign (1); Likely benign (1). Last evaluated 2025-08-31.

Conditions:
Hereditary cancer-predisposing syndrome. Also called: Hereditary Cancer Syndrome; Tumor predisposition; Hereditary neoplastic syndrome; Neoplastic Syndromes, Hereditary. Identifiers: Orphanet 140162, MedGen C0027672, MeSH D009386, MONDO:0015356.
Oligodontia-cancer predisposition syndrome. Also called: TOOTH AGENESIS-COLORECTAL CANCER SYNDROME. Identifiers: Orphanet 300576, MedGen C1837750, MONDO:0012075, OMIM 608615. Disease mechanism: loss of function.

Submissions (3):

Labcorp Genetics (formerly Invitae), Labcorp
Classification: Likely benign for Oligodontia-cancer predisposition syndrome. Last evaluated: 2025-08-31. Review status: criteria provided, single submitter. Criteria: Invitae Variant Classification Sherloc (09022015). Collection method: clinical testing. Allele origin: germline.

Myriad Genetics, Inc.
Classification: Benign for Oligodontia-cancer predisposition syndrome. Last evaluated: 2024-06-27. Review status: criteria provided, single submitter. Criteria: Myriad Autosomal Dominant, Autosomal Recessive and X-Linked Classification Criteria (2023). Collection method: clinical testing. Allele origin: unknown.
Comment: This variant is considered benign. This variant is a silent/synonymous amino acid change and it is not expected to impact splicing.

Sema4
Classification: Uncertain significance for Hereditary cancer-predisposing syndrome. Last evaluated: 2021-11-10. Review status: criteria provided, single submitter. Criteria: Sema4 Curation Guidelines. Collection method: curation. Allele origin: germline.
Comment: The AXIN2 c.648G>T (p.G216=) variant has not been reported in the literature to our knowledge. It was not observed in the large and broad cohorts of the Genome Aggregation Database (PMID: 32461654). This variant has been reported in ClinVar (Variation ID 1057869). In silico tools suggest the variant may have an effect on splicing, though these predictions have not been confirmed by functional studies. The evidence is insufficient to meet ACMG/AMP criteria for classifying the variant as benign or pathogenic. Thus, the clinical significance of this variant is currently uncertain.

NM_004655.4(AXIN2):c.648G>T (p.Gly216=)

Gene: AXIN2 (axin 2; minus strand). Cytogenetic location: 17q24.1.
Variant type: single nucleotide variant.
Coding change: c.648G>T on transcript NM_004655.4 (MANE Select); coding-DNA position 648, G replaced by T.
Protein change: p.Gly216=; no amino-acid change (glycine 216 retained).
Molecular consequence: synonymous variant.
Genome position (GRCh38, 1-based): chr17:65,557,973, C>A on the plus strand (G>T on the coding strand, the complement: AXIN2 is on the minus strand). VCF-style: chr17-65557973-C-A. GRCh37 (hg19) VCF-style: chr17-63554091-C-A.
Other names: c.648G>T, p.Gly216= (NM_001363813.1).
Identifiers: ClinVar variation 1057869 (VCV001057869.11), dbSNP rs2144583557, ClinGen allele CA501691456.
Genomic context (GRCh38, chr17:65,557,973, plus strand): 5'-ACAAGTCCACTCCTCTTCTTCATTCAAGGTGGGGAGATAGCCACACACGACCTTTAGGCT[C>A]CCGAGTCCCCCATTACTCATGTAAGCTGTGTTTTCTCCCCCACTCCTCACATATTCGAGG-3'
Protein context (NP_004646.3, residues 206-226): NTAYMSNGGL[Gly216=]SLKVVCGYLP